The following is an entry in ClinVar:

ClinVar aggregate classification (germline): Uncertain significance (1 of 4 stars; one submission).

Conditions:
2-aminoadipic 2-oxoadipic aciduria (AAKAD). Also called: ALPHA-AMINOADIPIC AND ALPHA-KETOADIPIC ACIDURIA; Aminoadipic aciduria. Identifiers: Orphanet 79154, MedGen C1859817, MONDO:0008774, OMIM 204750.

Submission:

Victorian Clinical Genetics Services, Murdoch Childrens Research Institute
Classification: Uncertain significance for 2-aminoadipic 2-oxoadipic aciduria. Last evaluated: 2023-12-20. Review status: criteria provided, single submitter. Criteria: ACMG Guidelines, 2015. Collection method: clinical testing. Allele origin: germline. Inheritance: Autosomal recessive inheritance. Affected: yes.
Comment: Based on the classification scheme VCGS_Germline_v1.3.4, this variant is classified as VUS-3A. Following criteria are met: 0102 - Loss of function is a known mechanism of disease in this gene and is associated with alpha-aminoadipic and alpha-ketoadipic aciduria (MIM#204750). (I) 0106 - This gene is associated with autosomal recessive disease. (I) 0200 - Variant is predicted to result in a missense amino acid change from leucine to valine. (I) 0252 - This variant is homozygous. (I) 0301 - Variant is absent from gnomAD (both v2 and v3). (SP) 0309 - An alternative amino acid change at the same position has been observed in gnomAD (v3) (1 heterozygote, 0 homozygotes). (I) 0503 - Missense variant consistently predicted to be tolerated by multiple in silico tools or not conserved in placental mammals with a minor amino acid change. (SB) 0600 - Variant is located in the annotated dehydrogenase E1 component domain (DECIPHER). (I) 0705 - No comparable missense variants have previous evidence for pathogenicity. (I) 0807 - This variant has no previous evidence of pathogenicity. (I) 0905 - No published segregation evidence has been identified for this variant. (I) 1007 - No published functional evidence has been identified for this variant. (I) 1101 - Very strong and specific phenotype match for this individual. (I) Legend: (SP) - Supporting pathogenic, (I) - Information, (SB) - Supporting benign

NM_018706.7(DHTKD1):c.1042C>G (p.Leu348Val)

Gene: DHTKD1 (dehydrogenase E1 and transketolase domain containing 1; plus strand). Cytogenetic location: 10p14.
Variant type: single nucleotide variant.
Coding change: c.1042C>G on transcript NM_018706.7 (MANE Select); coding-DNA position 1042, C replaced by G.
Protein change: p.Leu348Val; replaces leucine 348 with valine.
Molecular consequence: missense variant.
Genome position (GRCh38, 1-based): chr10:12,091,567, C>G. VCF-style: chr10-12091567-C-G. GRCh37 (hg19) VCF-style: chr10-12133566-C-G.
Other names: short protein forms L348V.
Identifiers: ClinVar variation 3254560 (VCV003254560.1), dbSNP rs763483061.
Genomic context (GRCh38, chr10:12,091,567, plus strand): 5'-ATTTAGGTCCATGGTGATGCTTCTTTCTGTGGTCAAGGGATTGTTCCTGAAACATTCACG[C>G]TGTCCAATCTCCCACATTTCAGAATTGGTGGGAGTGTGCATTTGATTGTTAATAACCAGC-3'
Protein context (NP_061176.4, residues 338-358): GQGIVPETFT[Leu348Val]SNLPHFRIGG